The following is an entry in ClinVar:

ClinVar aggregate classification (germline): Uncertain significance (1 of 4 stars; one submission).

gnomAD v4.1: 11 of 1,517,614 alleles (0.00072%); highest among the groups gnomAD compares: Admixed American, 0.0084%; no homozygotes.

Submission:

Women's Health and Genetics/Laboratory Corporation of America, LabCorp
Classification: Uncertain significance. Last evaluated: 2024-10-28. Review status: criteria provided, single submitter. Criteria: LabCorp Variant Classification Summary - May 2015. Collection method: clinical testing. Allele origin: germline.
Comment: Variant summary: SH2B3 c.733-7C>T alters a nucleotide located close to a canonical splice site and therefore could affect mRNA splicing, leading to a significantly altered protein sequence. Consensus agreement among computation tools predict no significant impact on normal splicing. However, these predictions have yet to be confirmed by functional studies. The variant allele was found at a frequency of 7.2e-06 in 1517614 control chromosomes. This frequency is not significantly higher than estimated for a pathogenic variant in SH2B3 causing SH2B3-Related Disorders, allowing no conclusion about variant significance. To our knowledge, no occurrence of c.733-7C>T in individuals affected with SH2B3-Related Disorders and no experimental evidence demonstrating its impact on protein function have been reported. No submitters have cited clinical-significance assessments for this variant to ClinVar. Based on the evidence outlined above, the variant was classified as uncertain significance.

NM_005475.3(SH2B3):c.733-7C>T

Gene: SH2B3 (SH2B adaptor protein 3; plus strand). Cytogenetic location: 12q24.12.
Variant type: single nucleotide variant.
Coding change: c.733-7C>T on transcript NM_005475.3 (MANE Select); 7 bases into the intron before coding-DNA position 733, C replaced by T.
Molecular consequence: intron variant.
Genome position (GRCh38, 1-based): chr12:111,446,746, C>T. VCF-style: chr12-111446746-C-T. GRCh37 (hg19) VCF-style: chr12-111884550-C-T.
Other names: c.127-7C>T (NM_001291424.1).
Identifiers: ClinVar variation 3385048 (VCV003385048.1).